The following is an entry in ClinVar:

ClinVar aggregate classification (germline): Uncertain significance (1 of 4 stars; one submission).

Submission:

GeneDx
Classification: Uncertain significance. Last evaluated: 2025-03-24. Review status: criteria provided, single submitter. Criteria: GeneDx Variant Classification Process June 2021. Collection method: clinical testing. Allele origin: germline. Affected: yes.
Comment: Not observed at significant frequency in large population cohorts (gnomAD); In silico analysis indicates that this missense variant does not alter protein structure/function; Has not been previously published as pathogenic or benign to our knowledge

NM_014855.3(AP5Z1):c.518C>T (p.Ala173Val)

Gene: AP5Z1 (adaptor related protein complex 5 subunit zeta 1; plus strand). Cytogenetic location: 7p22.1.
Variant type: single nucleotide variant.
Coding change: c.518C>T on transcript NM_014855.3 (MANE Select); coding-DNA position 518, C replaced by T.
Protein change: p.Ala173Val; replaces alanine 173 with valine.
Molecular consequence: missense variant. On other transcripts: non-coding transcript variant (1).
Genome position (GRCh38, 1-based): chr7:4,783,695, C>T. VCF-style: chr7-4783695-C-T. GRCh37 (hg19) VCF-style: chr7-4823326-C-T.
Other names: c.50C>T, p.Ala17Val (NM_001364858.1); short protein forms A173V, A17V.
Identifiers: ClinVar variation 4087820 (VCV004087820.1).